The following is an entry in ClinVar:

NM_001134673.4(NFIA):c.819-1G>C

Gene: NFIA (nuclear factor I A; plus strand). Cytogenetic location: 1p31.3.
Variant type: single nucleotide variant.
Coding change: c.819-1G>C on transcript NM_001134673.4 (MANE Select); the canonical splice acceptor site of the intron before coding-DNA position 819, G replaced by C.
Molecular consequence: splice acceptor variant.
Genome position (GRCh38, 1-based): chr1:61,359,146, G>C. VCF-style: chr1-61359146-G-C. GRCh37 (hg19) VCF-style: chr1-61824818-G-C.
Other names: c.795-1G>C (NM_001145511.2); c.954-1G>C (NM_001145512.2); c.819-1G>C (NM_005595.5).
Identifiers: ClinVar variation 4993988 (VCV004993988.1).

ClinVar aggregate classification (germline): Likely pathogenic (1 of 4 stars; one submission).

Conditions:
NFIA-Related Disorder. Also called: NFIA-related condition; NFIA-related disorders. Identifiers: MedGen CN381099.

Submission:

PreventionGenetics, part of Exact Sciences
Classification: Likely pathogenic for NFIA-related condition. Last evaluated: 2025-09-10. Review status: criteria provided, single submitter. Criteria: ACMG Guidelines, 2015. Collection method: clinical testing. Allele origin: germline.
Comment: The NFIA c.819-1G>C variant is predicted to disrupt the AG splice acceptor site and interfere with normal splicing. To our knowledge, this variant has not been reported in the literature or in a large population database (gnomAD), indicating this variant is rare. Variants that disrupt the consensus splice acceptor site in NFIA are expected to be pathogenic. Another splice variant affecting the same position, c.819-1G>A, has been reported in an individual with macrocephaly, dysmorphic facial features, developmental delay, abnormal brain MRI, axial hypotonia, movement abnormalities, respiratory distress, feeding difficulties, and renal abnormalities (Wongkittichote et al. 2022. PubMed ID: 35006644) This c.819-1G>C variant is interpreted as likely pathogenic.